The following is an entry in ClinVar:

NM_021008.4(DEAF1):c.159_170del (p.Asp53_Ala56del)

Gene: DEAF1 (DEAF1 transcription factor; minus strand). Cytogenetic location: 11p15.5.
Variant type: Deletion.
Coding change: c.159_170del on transcript NM_021008.4 (MANE Select); coding-DNA positions 159 to 170, 12 bases deleted (CTCGGAGGCGGA).
Protein change: p.Asp53_Ala56del.
Molecular consequence: inframe deletion. On other transcripts: 5 prime UTR variant (3), intron variant (1).
Genome position (GRCh38, 1-based): chr11:694,878-694,889, TCCGCCTCCGAG deleted on the plus strand (CTCGGAGGCGGA on the coding strand, the reverse complement: DEAF1 is on the minus strand); deleting any 12 consecutive bases within chr11:694,878-694,891 gives the same sequence; the c. name uses the placement nearest the transcript's 3' end. VCF-style (leftmost placement, unchanged base first): chr11-694877-CTCCGCCTCCGAG-C. GRCh37 (hg19) VCF-style: chr11-694877-CTCCGCCTCCGAG-C.
Other names: c.159_170del, p.Asp53_Ala56del (NM_001293634.2, NM_001440883.1, NM_001440884.1); c.-438_-427del (NM_001440885.1); c.-1838_-1827del (NM_001440886.1); c.-648_-637del (NM_001440887.1); c.-437-3291_-437-3280del (NM_001367390.1).
Identifiers: ClinVar variation 4699955 (VCV004699955.1).

ClinVar aggregate classification (germline): Uncertain significance (1 of 4 stars; one submission).

Submission:

Labcorp Genetics (formerly Invitae), Labcorp
Classification: Uncertain significance. Last evaluated: 2026-01-05. Review status: criteria provided, single submitter. Criteria: Invitae Variant Classification Sherloc (09022015). Collection method: clinical testing. Allele origin: germline.
Comment: This variant, c.159_170del, results in the deletion of 4 amino acid(s) of the DEAF1 protein (p.Asp53_Ala56del), but otherwise preserves the integrity of the reading frame. This variant is not present in population databases (gnomAD no frequency). This variant has not been reported in the literature in individuals affected with DEAF1-related conditions. Experimental studies and prediction algorithms are not available or were not evaluated, and the functional significance of this variant is currently unknown. In summary, the available evidence is currently insufficient to determine the role of this variant in disease. Therefore, it has been classified as a Variant of Uncertain Significance.